The following is an entry in ClinVar:

NM_002691.4(POLD1):c.1223C>G (p.Ser408Cys)

Gene: POLD1 (DNA polymerase delta 1, catalytic subunit; plus strand). Cytogenetic location: 19q13.33.
Variant type: single nucleotide variant.
Coding change: c.1223C>G on transcript NM_002691.4 (MANE Select); coding-DNA position 1223, C replaced by G.
Protein change: p.Ser408Cys; replaces serine 408 with cysteine.
Molecular consequence: missense variant. On other transcripts: non-coding transcript variant (1).
Genome position (GRCh38, 1-based): chr19:50,403,578, C>G. VCF-style: chr19-50403578-C-G. GRCh37 (hg19) VCF-style: chr19-50906835-C-G.
Other names: c.1223C>G, p.Ser408Cys (NM_001256849.1, NM_001308632.1); short protein forms S408C.
Identifiers: ClinVar variation 469186 (VCV000469186.17), dbSNP rs1433696636, ClinGen allele CA406978615.

ClinVar aggregate classification (germline): Uncertain significance. Review status: criteria provided, multiple submitters, no conflicts (2 of 4 stars). 4 submissions from 4 submitters: Uncertain significance (4). Last evaluated 2025-01-14.

Conditions:
POLD1-related polyposis and colorectal cancer syndrome (CRCS10). Also called: Colorectal cancer 10; COLORECTAL CANCER, SUSCEPTIBILITY TO, ON CHROMOSOME 19q; Colorectal cancer, susceptibility to, 10. Identifiers: Orphanet 220460, MedGen C2675481, MONDO:0012953, OMIM 612591.
Hereditary cancer-predisposing syndrome. Also called: Neoplastic Syndromes, Hereditary; Hereditary neoplastic syndrome; Tumor predisposition; Hereditary Cancer Syndrome. Identifiers: Orphanet 140162, MedGen C0027672, MeSH D009386, MONDO:0015356.

Allele frequency attached by ClinVar (database versions not stated): gnomAD exomes below 0.00001; TOPMed below 0.00001; gnomAD 0.00001.
gnomAD v4.1: 11 of 1,612,674 alleles (0.00068%); highest among the groups gnomAD compares: Non-Finnish European, 0.00085%; no homozygotes.

Submissions (4):

Labcorp Genetics (formerly Invitae), Labcorp
Classification: Uncertain significance for POLD1-related polyposis and colorectal cancer syndrome. Last evaluated: 2025-01-14. Review status: criteria provided, single submitter. Criteria: Invitae Variant Classification Sherloc (09022015). Collection method: clinical testing. Allele origin: germline.
Comment: This sequence change replaces serine, which is neutral and polar, with cysteine, which is neutral and slightly polar, at codon 408 of the POLD1 protein (p.Ser408Cys). The frequency data for this variant in the population databases is considered unreliable, as metrics indicate poor data quality at this position in the gnomAD database. This variant has not been reported in the literature in individuals affected with POLD1-related conditions. ClinVar contains an entry for this variant (Variation ID: 469186). Invitae Evidence Modeling of protein sequence and biophysical properties (such as structural, functional, and spatial information, amino acid conservation, physicochemical variation, residue mobility, and thermodynamic stability) indicates that this missense variant is not expected to disrupt POLD1 protein function with a negative predictive value of 80%. In summary, the available evidence is currently insufficient to determine the role of this variant in disease. Therefore, it has been classified as a Variant of Uncertain Significance.

Ambry Genetics
Classification: Uncertain significance for Hereditary cancer-predisposing syndrome. Last evaluated: 2024-05-15. Review status: criteria provided, single submitter. Criteria: Ambry Variant Classification Scheme 2023. Collection method: clinical testing. Allele origin: germline.
Comment: The p.S408C variant (also known as c.1223C>G), located in coding exon 9 of the POLD1 gene, results from a C to G substitution at nucleotide position 1223. The serine at codon 408 is replaced by cysteine, an amino acid with dissimilar properties. This amino acid position is not well conserved in available vertebrate species. In addition, this alteration is predicted to be tolerated by in silico analysis. Since supporting evidence is limited at this time, the clinical significance of this alteration remains unclear.

Sema4
Classification: Uncertain significance for Hereditary cancer-predisposing syndrome. Last evaluated: 2022-02-21. Review status: criteria provided, single submitter. Criteria: Sema4 Curation Guidelines. Collection method: curation. Allele origin: germline.
Comment: The POLD1 c.1223C>G (p.S408C) variant has not been reported in the literature to our knowledge. This variant was observed in 2/129142 chromosomes in the Non-Finnish European population according to the Genome Aggregation Database (PMID: 32461654). This variant has been reported in ClinVar (Variation ID: 469186). Functional studies have not been performed, and in silico predictions of the variant's effect on protein function are inconclusive. The evidence is insufficient to meet ACMG/AMP criteria for classifying the variant as benign or pathogenic. Thus, the clinical significance of this variant is currently uncertain.

Quest Diagnostics Nichols Institute San Juan Capistrano
Classification: Uncertain significance. Last evaluated: 2019-02-07. Review status: criteria provided, single submitter. Criteria: Quest Diagnostics criteria. Collection method: clinical testing. Allele origin: germline.